The following is an entry in ClinVar:

ClinVar aggregate classification (germline): Benign/Likely benign. Review status: criteria provided, multiple submitters, no conflicts (2 of 4 stars). 5 submissions from 5 submitters: Benign (3); Likely benign (2). Last evaluated 2026-02-01.

Allele frequency attached by ClinVar (database versions not stated): gnomAD exomes 0.00046 and 0.00019; ExAC 0.00060; 1000 Genomes Project 30x 0.00141; 1000 Genomes Project 0.00160; ESP Exome Variant Server 0.00169; gnomAD 0.00182 and 0.00196; TOPMed 0.00229.
gnomAD v4.1: 581 of 1,614,014 alleles (0.036%); highest among the groups gnomAD compares: African/African-American, 0.67%; 4 homozygotes.

Submissions (5):

CeGaT Center for Human Genetics Tuebingen
Classification: Likely benign. Last evaluated: 2026-02-01. Review status: criteria provided, single submitter. Criteria: CeGaT Center For Human Genetics Tuebingen Variant Classification Criteria Version 2. Collection method: clinical testing. Allele origin: germline. Affected: yes. Observed: 4 variant alleles.
Comment: LAMA1: BP4, BP7

Labcorp Genetics (formerly Invitae), Labcorp
Classification: Benign. Last evaluated: 2025-10-16. Review status: criteria provided, single submitter. Criteria: Invitae Variant Classification Sherloc (09022015). Collection method: clinical testing. Allele origin: germline.

Blueprint Genetics
Classification: Likely benign. Last evaluated: 2024-10-07. Review status: criteria provided, single submitter. Criteria: ACMG Guidelines, 2015. Collection method: clinical testing. Allele origin: germline.

Mayo Clinic Laboratories, Mayo Clinic
Classification: Benign. Last evaluated: 2024-02-02. Review status: criteria provided, single submitter. Criteria: ACMG Guidelines, 2015. Collection method: clinical testing. Allele origin: germline. Observed: 2 variant alleles.
Comment: BS1, BS2, BP4, BP7

Breakthrough Genomics
Classification: Benign. Review status: criteria provided, single submitter. Criteria: ACMG Guidelines, 2015. Collection method: not provided. Allele origin: germline. Inheritance: Autosomal recessive inheritance. Affected: yes.

NM_005559.4(LAMA1):c.6840A>G (p.Lys2280=)

Gene: LAMA1 (laminin subunit alpha 1; minus strand). Cytogenetic location: 18p11.31.
Variant type: single nucleotide variant.
Coding change: c.6840A>G on transcript NM_005559.4 (MANE Select); coding-DNA position 6840, A replaced by G.
Protein change: p.Lys2280=; no amino-acid change (lysine 2280 retained).
Molecular consequence: synonymous variant.
Genome position (GRCh38, 1-based): chr18:6,971,916, T>C on the plus strand (A>G on the coding strand, the complement: LAMA1 is on the minus strand). VCF-style: chr18-6971916-T-C. GRCh37 (hg19) VCF-style: chr18-6971915-T-C.
Other names: p.Lys2280=.
Identifiers: ClinVar variation 784374 (VCV000784374.34), dbSNP rs113914459, ClinGen allele CA8881110.